The following is an entry in ClinVar:

NM_020338.4(ZMIZ1):c.2281G>A (p.Val761Met)

Gene: ZMIZ1 (zinc finger MIZ-type containing 1; plus strand). Cytogenetic location: 10q22.3.
Variant type: single nucleotide variant.
Coding change: c.2281G>A on transcript NM_020338.4 (MANE Select); coding-DNA position 2281, G replaced by A.
Protein change: p.Val761Met; replaces valine 761 with methionine.
Molecular consequence: missense variant.
Genome position (GRCh38, 1-based): chr10:79,304,170, G>A. VCF-style: chr10-79304170-G-A. GRCh37 (hg19) VCF-style: chr10-81063927-G-A.
Other names: short protein forms V761M.
Identifiers: ClinVar variation 4070616 (VCV004070616.1).

ClinVar aggregate classification (germline): Uncertain significance (1 of 4 stars; one submission).

Submission:

GeneDx
Classification: Uncertain significance. Last evaluated: 2025-01-19. Review status: criteria provided, single submitter. Criteria: GeneDx Variant Classification Process June 2021. Collection method: clinical testing. Allele origin: germline. Affected: yes.
Comment: Not observed at significant frequency in large population cohorts (gnomAD); In silico analysis indicates that this missense variant does not alter protein structure/function; Has not been previously published as pathogenic or benign to our knowledge